The following is an entry in ClinVar:

ClinVar aggregate classification (germline): Uncertain significance (1 of 4 stars; one submission).

Conditions:
ADGRV1-related disorder. Also called: ADGRV1-related condition; ADGRV1-related disorders.

Submission:

PreventionGenetics, part of Exact Sciences
Classification: Uncertain significance for ADGRV1-related condition. Last evaluated: 2023-03-28. Review status: criteria provided, single submitter. Criteria: ACMG Guidelines, 2015. Collection method: clinical testing. Allele origin: germline.
Comment: The ADGRV1 c.16814G>T variant is predicted to result in the amino acid substitution p.Gly5605Val. To our knowledge, this variant has not been reported in the literature or in a large population database, indicating this variant is rare. At this time, the clinical significance of this variant is uncertain due to the absence of conclusive functional and genetic evidence.

NM_032119.4(ADGRV1):c.16814G>T (p.Gly5605Val)

Gene: ADGRV1 (adhesion G protein-coupled receptor V1; plus strand). Cytogenetic location: 5q14.3.
Variant type: single nucleotide variant.
Coding change: c.16814G>T on transcript NM_032119.4 (MANE Select); coding-DNA position 16814, G replaced by T.
Protein change: p.Gly5605Val; replaces glycine 5605 with valine.
Molecular consequence: missense variant. On other transcripts: non-coding transcript variant (1).
Genome position (GRCh38, 1-based): chr5:90,840,780, G>T. VCF-style: chr5-90840780-G-T. GRCh37 (hg19) VCF-style: chr5-90136597-G-T.
Other names: short protein forms G5605V.
Identifiers: ClinVar variation 2633442 (VCV002633442.1), dbSNP rs2532440483, ClinGen allele CA360428572.